The following is an entry in ClinVar:

NM_020338.4(ZMIZ1):c.928C>G (p.Gln310Glu)

Gene: ZMIZ1 (zinc finger MIZ-type containing 1; plus strand). Cytogenetic location: 10q22.3.
Variant type: single nucleotide variant.
Coding change: c.928C>G on transcript NM_020338.4 (MANE Select); coding-DNA position 928, C replaced by G.
Protein change: p.Gln310Glu; replaces glutamine 310 with glutamic acid.
Molecular consequence: missense variant.
Genome position (GRCh38, 1-based): chr10:79,292,327, C>G. VCF-style: chr10-79292327-C-G. GRCh37 (hg19) VCF-style: chr10-81052084-C-G.
Other names: short protein forms Q310E.
Identifiers: ClinVar variation 5009158 (VCV005009158.1).
Genomic context (GRCh38, chr10:79,292,327, plus strand): 5'-GCAGCAGCAGCCACAGCTACAGCCACAGCCACGGCCACTGTGGCAGCCCTGCAGGAGACA[C>G]AGAACAAGGATATAAACCAGTATGGACCGGTAAGGGTTCCCACTAATCCTGGTCCAGCCT-3'
Protein context (NP_065071.1, residues 300-320): TATVAALQET[Gln310Glu]NKDINQYGPM

ClinVar aggregate classification (germline): Uncertain significance (1 of 4 stars; one submission).

Submission:

GeneDx
Classification: Uncertain significance. Last evaluated: 2026-03-14. Review status: criteria provided, single submitter. Criteria: GeneDx Variant Classification Process June 2021. Collection method: clinical testing. Allele origin: germline.
Comment: Not observed at significant frequency in large population cohorts (gnomAD); In silico analysis suggests that this missense variant does not alter protein structure/function; Has not been previously published as pathogenic or benign to our knowledge